The following is an entry in ClinVar:

ClinVar aggregate classification (germline): Likely benign (1 of 4 stars; one submission).

gnomAD v4.1: 1 of 1,610,446 alleles (0.000062%); highest among the groups gnomAD compares: Admixed American, 0.0017%; no homozygotes.

Submission:

CeGaT Center for Human Genetics Tuebingen
Classification: Likely benign. Last evaluated: 2026-09-01. Review status: criteria provided, single submitter. Criteria: CeGaT Center For Human Genetics Tuebingen Variant Classification Criteria Version 2. Collection method: clinical testing. Allele origin: germline. Affected: yes. Observed: 1 variant allele.
Comment: IBA57: BP4, BP7

NM_001010867.4(IBA57):c.492C>A (p.Pro164=)

Gene: IBA57 (iron-sulfur cluster assembly factor IBA57; plus strand). Cytogenetic location: 1q42.13.
Variant type: single nucleotide variant.
Coding change: c.492C>A on transcript NM_001010867.4 (MANE Select); coding-DNA position 492, C replaced by A.
Protein change: p.Pro164=; no amino-acid change (proline 164 retained).
Molecular consequence: synonymous variant. On other transcripts: 5 prime UTR variant (1).
Genome position (GRCh38, 1-based): chr1:228,174,842, C>A. VCF-style: chr1-228174842-C-A. GRCh37 (hg19) VCF-style: chr1-228362543-C-A.
Other names: c.-88C>A (NM_001310327.2).
Identifiers: ClinVar variation 5041031 (VCV005041031.1).